The following is an entry in ClinVar:

NM_001365999.1(SZT2):c.5134G>A (p.Gly1712Arg)

Gene: SZT2 (SZT2 subunit of KICSTOR complex; plus strand). Cytogenetic location: 1p34.2.
Variant type: single nucleotide variant.
Coding change: c.5134G>A on transcript NM_001365999.1 (MANE Select); coding-DNA position 5134, G replaced by A.
Protein change: p.Gly1712Arg; replaces glycine 1712 with arginine.
Molecular consequence: missense variant.
Genome position (GRCh38, 1-based): chr1:43,431,761, G>A. VCF-style: chr1-43431761-G-A. GRCh37 (hg19) VCF-style: chr1-43897432-G-A.
Other names: c.4963G>A, p.Gly1655Arg (NM_015284.4); short protein forms G1712R, G1655R.
Identifiers: ClinVar variation 2114749 (VCV002114749.4), dbSNP rs2545829679, ClinGen allele CA340023473.

ClinVar aggregate classification (germline): Uncertain significance (1 of 4 stars; one submission).

Submission:

Labcorp Genetics (formerly Invitae), Labcorp
Classification: Uncertain significance. Last evaluated: 2022-03-19. Review status: criteria provided, single submitter. Criteria: Invitae Variant Classification Sherloc (09022015). Collection method: clinical testing. Allele origin: germline.
Comment: In summary, the available evidence is currently insufficient to determine the role of this variant in disease. Therefore, it has been classified as a Variant of Uncertain Significance. Algorithms developed to predict the effect of missense changes on protein structure and function are either unavailable or do not agree on the potential impact of this missense change (SIFT: "Tolerated"; PolyPhen-2: "Probably Damaging"; Align-GVGD: "Class C0"). This variant has not been reported in the literature in individuals affected with SZT2-related conditions. This variant is not present in population databases (gnomAD no frequency). This sequence change replaces glycine, which is neutral and non-polar, with arginine, which is basic and polar, at codon 1655 of the SZT2 protein (p.Gly1655Arg).